The following is an entry in ClinVar:

ClinVar aggregate classification (germline): Uncertain significance (1 of 4 stars; one submission).

Allele frequency attached by ClinVar (database versions not stated): TOPMed below 0.00001; gnomAD 0.00003 and 0.00005; gnomAD exomes 0.00003 and 0.00008; ExAC 0.00004.
gnomAD v4.1: 45 of 1,613,682 alleles (0.0028%); highest among the groups gnomAD compares: Non-Finnish European, 0.00076%; no homozygotes.

Submission:

Labcorp Genetics (formerly Invitae), Labcorp
Classification: Uncertain significance. Last evaluated: 2022-03-09. Review status: criteria provided, single submitter. Criteria: Invitae Variant Classification Sherloc (09022015). Collection method: clinical testing. Allele origin: germline.
Comment: This variant is present in population databases (rs770519276, gnomAD 0.05%). In summary, the available evidence is currently insufficient to determine the role of this variant in disease. Therefore, it has been classified as a Variant of Uncertain Significance. Algorithms developed to predict the effect of missense changes on protein structure and function are either unavailable or do not agree on the potential impact of this missense change (SIFT: "Deleterious"; PolyPhen-2: "Benign"; Align-GVGD: "Class C0"). ClinVar contains an entry for this variant (Variation ID: 1055209). This variant has not been reported in the literature in individuals affected with PLK4-related conditions. This sequence change replaces lysine, which is basic and polar, with asparagine, which is neutral and polar, at codon 329 of the PLK4 protein (p.Lys329Asn).

NM_014264.5(PLK4):c.987A>T (p.Lys329Asn)

Gene: PLK4 (polo like kinase 4; plus strand). Cytogenetic location: 4q28.1.
Variant type: single nucleotide variant.
Coding change: c.987A>T on transcript NM_014264.5 (MANE Select); coding-DNA position 987, A replaced by T.
Protein change: p.Lys329Asn; replaces lysine 329 with asparagine.
Molecular consequence: missense variant.
Genome position (GRCh38, 1-based): chr4:127,886,357, A>T. VCF-style: chr4-127886357-A-T. GRCh37 (hg19) VCF-style: chr4-128807512-A-T.
Other names: c.891A>T, p.Lys297Asn (NM_001190799.2); c.864A>T, p.Lys288Asn (NM_001190801.2); short protein forms K288N, K297N, K329N.
Identifiers: ClinVar variation 1055209 (VCV001055209.5), dbSNP rs770519276, ClinGen allele CA3076664.